The following is an entry in ClinVar:

ClinVar aggregate classification (germline): Likely benign (1 of 4 stars; one submission).

Submission:

CeGaT Center for Human Genetics Tuebingen
Classification: Likely benign. Last evaluated: 2025-02-01. Review status: criteria provided, single submitter. Criteria: CeGaT Center For Human Genetics Tuebingen Variant Classification Criteria Version 2. Collection method: clinical testing. Allele origin: germline. Affected: yes. Observed: 1 variant allele.
Comment: PDXP: BP4, BP7

NM_020315.5(PDXP):c.34C>T (p.Leu12=)

Gene: PDXP (pyridoxal phosphatase; plus strand). Cytogenetic location: 22q13.1.
Variant type: single nucleotide variant.
Coding change: c.34C>T on transcript NM_020315.5 (MANE Select); coding-DNA position 34, C replaced by T.
Protein change: p.Leu12=; no amino-acid change (leucine 12 retained).
Molecular consequence: synonymous variant.
Genome position (GRCh38, 1-based): chr22:37,658,816, C>T. VCF-style: chr22-37658816-C-T. GRCh37 (hg19) VCF-style: chr22-38054823-C-T.
Identifiers: ClinVar variation 3771327 (VCV003771327.13).